The following is an entry in ClinVar:

ClinVar aggregate classification (germline): Uncertain significance. Review status: criteria provided, multiple submitters, no conflicts (2 of 4 stars). 2 submissions from 2 submitters: Uncertain significance (2). Last evaluated 2024-02-23.

Conditions:
Glycogen storage disease, type VI (GSD6). Also called: HERS DISEASE; PHOSPHORYLASE DEFICIENCY GLYCOGEN-STORAGE DISEASE OF LIVER; Glycogen storage disease type 6, due to phosphorylation; GSD VI; Glycogen storage disease type 6; Hepatic glycogen phosphorylase deficiency. Identifiers: Orphanet 369, MedGen C0017925, MONDO:0009294, OMIM 232700.

Submissions (2):

GeneDx
Classification: Uncertain significance. Last evaluated: 2024-02-23. Review status: criteria provided, single submitter. Criteria: GeneDx Variant Classification Process June 2021. Collection method: clinical testing. Allele origin: germline. Affected: yes.
Comment: Not observed at significant frequency in large population cohorts (gnomAD); In silico analysis supports that this missense variant has a deleterious effect on protein structure/function; Has not been previously published as pathogenic or benign to our knowledge

Labcorp Genetics (formerly Invitae), Labcorp
Classification: Uncertain significance for Glycogen storage disease, type VI. Last evaluated: 2021-12-24. Review status: criteria provided, single submitter. Criteria: Invitae Variant Classification Sherloc (09022015). Collection method: clinical testing. Allele origin: germline.
Comment: This sequence change replaces arginine, which is basic and polar, with glycine, which is neutral and non-polar, at codon 399 of the PYGL protein (p.Arg399Gly). This variant is not present in population databases (gnomAD no frequency). This variant has not been reported in the literature in individuals affected with PYGL-related conditions. Algorithms developed to predict the effect of missense changes on protein structure and function (SIFT, PolyPhen-2, Align-GVGD) all suggest that this variant is likely to be disruptive. In summary, the available evidence is currently insufficient to determine the role of this variant in disease. Therefore, it has been classified as a Variant of Uncertain Significance.

NM_002863.5(PYGL):c.1195C>G (p.Arg399Gly)

Gene: PYGL (glycogen phosphorylase L; minus strand). Cytogenetic location: 14q22.1.
Variant type: single nucleotide variant.
Coding change: c.1195C>G on transcript NM_002863.5 (MANE Select); coding-DNA position 1195, C replaced by G.
Protein change: p.Arg399Gly; replaces arginine 399 with glycine.
Molecular consequence: missense variant.
Genome position (GRCh38, 1-based): chr14:50,915,869, G>C on the plus strand (C>G on the coding strand, the complement: PYGL is on the minus strand). VCF-style: chr14-50915869-G-C. GRCh37 (hg19) VCF-style: chr14-51382587-G-C.
Other names: c.1195C>G (NM_002863.4); c.1093C>G, p.Arg365Gly (NM_001163940.2); short protein forms R365G, R399G.
Identifiers: ClinVar variation 1418533 (VCV001418533.7), dbSNP rs113993978, ClinGen allele CA389688500.